The following is an entry in ClinVar:

ClinVar aggregate classification (germline): Likely benign (1 of 4 stars; one submission).

Allele frequency attached by ClinVar (database versions not stated): gnomAD 0.01223; 1000 Genomes Project 0.01398; TOPMed 0.01402; 1000 Genomes Project 30x 0.01499.

Submission:

GeneDx
Classification: Likely benign. Last evaluated: 2020-07-18. Review status: criteria provided, single submitter. Criteria: GeneDx Variant Classification Process June 2021. Collection method: clinical testing. Allele origin: germline. Affected: yes.
Comment: See Variant Classification Assertion Criteria.

NC_000003.12:g.13880327C>T

Gene: WNT7A (Wnt family member 7A; minus strand). Cytogenetic location: 3p25.1.
Variant type: single nucleotide variant.
Genome position: GRCh38 VCF-style: chr3-13880327-C-T. GRCh37 (hg19) VCF-style: chr3-13921824-C-T.
Identifiers: ClinVar variation 1706857 (VCV001706857.3), dbSNP rs111437613, ClinGen allele CA70288863.